The following is an entry in ClinVar:

NM_001754.5(RUNX1):c.560C>T (p.Ala187Val)

Genes: RUNX1 (RUNX family transcription factor 1; minus strand), RUNX1-AS1 (RUNX1 antisense RNA 1; plus strand). Cytogenetic location: 21q22.12.
Variant type: single nucleotide variant.
Coding change: c.560C>T on transcript NM_001754.5 (MANE Select); coding-DNA position 560, C replaced by T.
Protein change: p.Ala187Val; replaces alanine 187 with valine.
Molecular consequence: missense variant.
Genome position (GRCh38, 1-based): chr21:34,859,527, G>A on the plus strand (C>T on the coding strand, the complement: RUNX1 is on the minus strand). VCF-style: chr21-34859527-G-A. GRCh37 (hg19) VCF-style: chr21-36231824-G-A.
Other names: NM_001754.5(RUNX1):c.560C>T; p.Ala187Val; c.479C>T, p.Ala160Val (NM_001001890.3, NM_001122607.2); short protein forms A187V, A160V.
Identifiers: ClinVar variation 2850045 (VCV002850045.4), dbSNP rs2146235788, ClinGen allele CA410208047.

ClinVar aggregate classification (germline): Uncertain significance. Review status: reviewed by expert panel (3 of 4 stars). 2 submissions from 2 submitters: Uncertain significance (1). 1 of the submissions does not count toward it. Last evaluated 2024-09-12.

Conditions:
Hereditary thrombocytopenia and hematologic cancer predisposition syndrome. Identifiers: Orphanet 71290, MedGen CN281654, MONDO:0011071.
Hereditary thrombocytopenia and hematological cancer predisposition syndrome associated with RUNX1. Also called: Familial Platelet Disorder with Propensity to Acute Myelogenous Leukemia; Familial thrombocytopenia with propensity to acute myelogenous leukemia; PLATELET DISORDER, ASPIRIN-LIKE; RUNX1 Familial Platelet Disorder with Associated Myeloid Malignancies. Identifiers: Orphanet 71290, MedGen C1832388, MeSH C563324, MONDO:0100083, OMIM 601399.

Submissions (2):

ClinGen Myeloid Malignancy Variant Curation Expert Panel
Classification: Uncertain significance for Hereditary thrombocytopenia and hematologic cancer predisposition syndrome. Last evaluated: 2024-09-12. Review status: reviewed by expert panel. Criteria: ClinGen MyeloMalig ACMG Specifications v2. Collection method: curation. Allele origin: germline. Inheritance: Autosomal dominant inheritance.
Comment: NM_001754.5(RUNX1):c.560C>T (p.Ala187Val) is a missense variant which is located within the Runt Homology Domain (AA 89-204), but does not occur in an established hotspot residue (PM1_supporting). This missense variant has a REVEL score ≥ 0.88 (0.977) (PP3). It is completely absent from all population databases with at least 20x coverage for RUNX1 (PM2_supporting). In summary, the clinical significance of this variant is uncertain. ACMG/AMP criteria applied, as specified by the Myeloid Malignancy Variant Curation Expert Panel for RUNX1: PM1_supporting, PM2_supporting, PP3.

Labcorp Genetics (formerly Invitae), Labcorp
Classification: Uncertain significance for Hereditary thrombocytopenia and hematological cancer predisposition syndrome associated with RUNX1. Last evaluated: 2023-04-19. Review status: criteria provided, single submitter. Criteria: Invitae Variant Classification Sherloc (09022015). Collection method: clinical testing. Allele origin: germline. Not counted in ClinVar's aggregate classification.
Comment: In summary, the available evidence is currently insufficient to determine the role of this variant in disease. Therefore, it has been classified as a Variant of Uncertain Significance. Advanced modeling of protein sequence and biophysical properties (such as structural, functional, and spatial information, amino acid conservation, physicochemical variation, residue mobility, and thermodynamic stability) has been performed at Invitae for this missense variant, however the output from this modeling did not meet the statistical confidence thresholds required to predict the impact of this variant on RUNX1 protein function. This variant has not been reported in the literature in individuals affected with RUNX1-related conditions. This variant is not present in population databases (gnomAD no frequency). This sequence change replaces alanine, which is neutral and non-polar, with valine, which is neutral and non-polar, at codon 187 of the RUNX1 protein (p.Ala187Val).